The following is an entry in ClinVar:

ClinVar aggregate classification (germline): Pathogenic. Review status: reviewed by expert panel (3 of 4 stars). 3 submissions from 3 submitters: Pathogenic (1). 2 of the submissions do not count toward it. Last evaluated 2016-09-08.

Conditions:
Hereditary breast ovarian cancer syndrome. Also called: Hereditary breast and ovarian cancer syndrome; Hereditary breast and ovarian cancer; Hereditary breast and ovarian cancer syndrome (HBOC); Breast and ovarian cancer; Hereditary breast and/or ovarian cancer syndrome; BRCA1- and BRCA2-Associated Hereditary Breast and Ovarian Cancer. Identifiers: Orphanet 145, MedGen C0677776, MeSH D061325, MONDO:0003582. Disease mechanism: loss of function.
Breast-ovarian cancer, familial, susceptibility to, 2 (BROVCA2). Also called: BRCA2 Hereditary Breast and Ovarian Cancer. Identifiers: Orphanet 145, MedGen C2675520, MONDO:0012933, OMIM 612555. Disease mechanism: loss of function.

Submissions (3):

Evidence-based Network for the Interpretation of Germline Mutant Alleles (ENIGMA)
Classification: Pathogenic for Breast-ovarian cancer, familial, susceptibility to, 2. Last evaluated: 2016-09-08. Review status: reviewed by expert panel. Criteria: ENIGMA BRCA1/2 Classification Criteria (2015). Collection method: curation. Allele origin: germline.
Comment: Variant allele predicted to encode a truncated non-functional protein.

Labcorp Genetics (formerly Invitae), Labcorp
Classification: Pathogenic for Hereditary breast ovarian cancer syndrome. Last evaluated: 2019-09-05. Review status: criteria provided, single submitter. Criteria: Invitae Variant Classification Sherloc (09022015). Collection method: clinical testing. Allele origin: germline. Not counted in ClinVar's aggregate classification.
Comment: This variant has been reported in individuals in the Leiden Open-source Variation Database (PMID: 21520333). ClinVar contains an entry for this variant (Variation ID: 51156). This sequence change creates a premature translational stop signal (p.Leu540Trpfs*18) in the BRCA2 gene. It is expected to result in an absent or disrupted protein product. This variant is not present in population databases (ExAC no frequency). Loss-of-function variants in BRCA2 are known to be pathogenic (PMID: 20104584). For these reasons, this variant has been classified as Pathogenic.

Breast Cancer Information Core (BIC) (BRCA2)
Classification: Pathogenic for Breast-ovarian cancer, familial 2. Review status: no assertion criteria provided. Collection method: clinical testing. Allele origin: germline. Affected: yes. Observed: 1 variant allele. Not counted in ClinVar's aggregate classification.

Literature cited by the submitters: PubMed 21520333 (cited by Labcorp Genetics (formerly Invitae), Labcorp); PubMed 20104584 (cited by Labcorp Genetics (formerly Invitae), Labcorp).

NM_000059.4(BRCA2):c.1617del (p.Leu540fs)

Gene: BRCA2 (BRCA2 DNA repair associated; plus strand). Cytogenetic location: 13q13.1.
Variant type: Deletion.
Coding change: c.1617del on transcript NM_000059.4 (MANE Select); coding-DNA position 1617, one base deleted (A; older notation c.1617delA).
Protein change: p.Leu540fs; shifts the reading frame from leucine 540.
Molecular consequence: frameshift variant.
Genome position (GRCh38, 1-based): chr13:32,333,095, A deleted. VCF-style (leftmost placement, unchanged base first): chr13-32333094-GA-G. GRCh37 (hg19) VCF-style: chr13-32907231-GA-G.
Other names: 1845delA; c.1617delA (NM_000059.3); short protein forms L540fs.
Identifiers: ClinVar variation 51156 (VCV000051156.11), dbSNP rs80359294, ClinGen allele CA012633.
Genomic context (GRCh38, chr13:32,333,094, plus strand): 5'-GTTTTTCAGGTCATATGACTGATCCAAACTTTAAAAAAGAAACTGAAGCCTCTGAAAGTG[GA>G]CTGGAAATACATACTGTTTGCTCACAGAAGGAGGACTCCTTATGTCCAAATTTAATTGAT-3'